The following is an entry in ClinVar:

ClinVar aggregate classification (germline): Uncertain significance. Review status: criteria provided, multiple submitters, no conflicts (2 of 4 stars). 2 submissions from 2 submitters: Uncertain significance (2). Last evaluated 2025-09-30.

Conditions:
LOXHD1-related disorder. Also called: LOXHD1-related condition.

Allele frequency attached by ClinVar (database versions not stated): TOPMed below 0.00001; gnomAD exomes 0.00001.
gnomAD v4.1: 8 of 1,551,842 alleles (0.00052%); highest among the groups gnomAD compares: Non-Finnish European, 0.0007%; no homozygotes.

Submissions (2):

PreventionGenetics, part of Exact Sciences
Classification: Uncertain significance for LOXHD1-related condition. Last evaluated: 2025-09-30. Review status: criteria provided, single submitter. Criteria: ACMG Guidelines, 2015. Collection method: clinical testing. Allele origin: germline.
Comment: The LOXHD1 c.3092G>A variant is predicted to result in the amino acid substitution p.Gly1031Glu. To our knowledge, this variant has not been reported in the literature. This variant is reported in 0.0016% of alleles in individuals of European (Non-Finnish) descent in gnomAD. At this time, the clinical significance of this variant is uncertain due to the absence of conclusive functional and genetic evidence.

Labcorp Genetics (formerly Invitae), Labcorp
Classification: Uncertain significance. Last evaluated: 2021-12-07. Review status: criteria provided, single submitter. Criteria: Invitae Variant Classification Sherloc (09022015). Collection method: clinical testing. Allele origin: germline.
Comment: This sequence change replaces glycine, which is neutral and non-polar, with glutamic acid, which is acidic and polar, at codon 1031 of the LOXHD1 protein (p.Gly1031Glu). This variant is not present in population databases (gnomAD no frequency). This variant has not been reported in the literature in individuals affected with LOXHD1-related conditions. Algorithms developed to predict the effect of missense changes on protein structure and function are either unavailable or do not agree on the potential impact of this missense change (SIFT: "Deleterious"; PolyPhen-2: "Probably Damaging"; Align-GVGD: "Class C0"). In summary, the available evidence is currently insufficient to determine the role of this variant in disease. Therefore, it has been classified as a Variant of Uncertain Significance.

NM_001384474.1(LOXHD1):c.3092G>A (p.Gly1031Glu)

Gene: LOXHD1 (lipoxygenase homology PLAT domains 1; minus strand). Cytogenetic location: 18q21.1.
Variant type: single nucleotide variant.
Coding change: c.3092G>A on transcript NM_001384474.1 (MANE Select); coding-DNA position 3092, G replaced by A.
Protein change: p.Gly1031Glu; replaces glycine 1031 with glutamic acid.
Molecular consequence: missense variant.
Genome position (GRCh38, 1-based): chr18:46,559,572, C>T on the plus strand (G>A on the coding strand, the complement: LOXHD1 is on the minus strand). VCF-style: chr18-46559572-C-T. GRCh37 (hg19) VCF-style: chr18-44139535-C-T.
Other names: c.3092G>A (NM_144612.6); c.3092G>A, p.Gly1031Glu (NM_144612.7); short protein forms G1031E.
Identifiers: ClinVar variation 1953662 (VCV001953662.3), dbSNP rs1196645388, ClinGen allele CA402369464.